The following is an entry in ClinVar:

ClinVar aggregate classification (germline): Benign/Likely benign. Review status: criteria provided, multiple submitters, no conflicts (2 of 4 stars). 3 submissions from 3 submitters: Benign (1); Likely benign (2). Last evaluated 2025-03-28.

Conditions:
Hereditary cancer-predisposing syndrome. Also called: Hereditary Cancer Syndrome; Hereditary neoplastic syndrome; Tumor predisposition; Neoplastic Syndromes, Hereditary. Identifiers: Orphanet 140162, MedGen C0027672, MeSH D009386, MONDO:0015356.
Peutz-Jeghers syndrome (PJS). Also called: POLYPOSIS, HAMARTOMATOUS INTESTINAL; POLYPS-AND-SPOTS SYNDROME; Peutz-Jeghers polyposis; Periorificial lentiginosis syndrome. Identifiers: Orphanet 2869, MedGen C0031269, MeSH D010580, MONDO:0008280, OMIM 175200.

Submissions (3):

Myriad Genetics, Inc.
Classification: Benign for Peutz-Jeghers syndrome. Last evaluated: 2025-03-28. Review status: criteria provided, single submitter. Criteria: Myriad Autosomal Dominant, Autosomal Recessive and X-Linked Classification Criteria (2023). Collection method: clinical testing. Allele origin: unknown.
Comment: This variant is considered benign. This variant is a silent/synonymous amino acid change and it is not expected to impact splicing.

Ambry Genetics
Classification: Likely benign for Hereditary cancer-predisposing syndrome. Last evaluated: 2024-12-22. Review status: criteria provided, single submitter. Criteria: Ambry Variant Classification Scheme 2023. Collection method: clinical testing. Allele origin: germline.

Labcorp Genetics (formerly Invitae), Labcorp
Classification: Likely benign for Peutz-Jeghers syndrome. Last evaluated: 2023-08-03. Review status: criteria provided, single submitter. Criteria: Invitae Variant Classification Sherloc (09022015). Collection method: clinical testing. Allele origin: germline.

NM_000455.5(STK11):c.954A>C (p.Ala318=)

Gene: STK11 (serine/threonine kinase 11; plus strand). Cytogenetic location: 19p13.3.
Variant type: single nucleotide variant.
Coding change: c.954A>C on transcript NM_000455.5 (MANE Select); coding-DNA position 954, A replaced by C.
Protein change: p.Ala318=; no amino-acid change (alanine 318 retained).
Molecular consequence: synonymous variant.
Genome position (GRCh38, 1-based): chr19:1,223,018, A>C. VCF-style: chr19-1223018-A-C. GRCh37 (hg19) VCF-style: chr19-1223017-A-C.
Identifiers: ClinVar variation 458075 (VCV000458075.10), dbSNP rs1555739188, ClinGen allele CA504707733.